The following is an entry in ClinVar:

ClinVar aggregate classification (germline): Conflicting classifications of pathogenicity. Review status: criteria provided, conflicting classifications (1 of 4 stars). 4 submissions from 4 submitters: Likely pathogenic (1); Uncertain significance (2); Likely benign (1). Last evaluated 2026-01-19.

Conditions:
Bone fragility with contractures, arterial rupture, and deafness. Also called: BCARD SYNDROME; BONE ABNORMALITIES, CATARACT, ARTERIAL RUPTURE, AND DEAFNESS; LH3 DEFICIENCY; LYSYL HYDROXYLASE 3 DEFICIENCY. Identifiers: Orphanet 300284, MedGen C2676285, MONDO:0012892, OMIM 612394.

Allele frequency attached by ClinVar (database versions not stated): TOPMed 0.00003; gnomAD exomes 0.00024 and 0.00057; ExAC 0.00044; gnomAD 0.00046 and 0.00050.
gnomAD v4.1: 410 of 1,614,038 alleles (0.025%); highest among the groups gnomAD compares: Non-Finnish European, 0.0039%; no homozygotes.

Submissions (5):

Labcorp Genetics (formerly Invitae), Labcorp
Classification: Likely benign. Last evaluated: 2026-01-19. Review status: criteria provided, single submitter. Criteria: Invitae Variant Classification Sherloc (09022015). Collection method: clinical testing. Allele origin: germline.

GeneDx
Classification: Uncertain significance. Last evaluated: 2024-05-20. Review status: criteria provided, single submitter. Criteria: GeneDx Variant Classification Process June 2021. Collection method: clinical testing. Allele origin: germline. Affected: yes.
Comment: In silico analysis supports that this missense variant has a deleterious effect on protein structure/function; In silico analysis supports that this missense variant has a deleterious effect on protein structure/function; Has not been previously published as pathogenic or benign to our knowledge

CeGaT Center for Human Genetics Tuebingen
Classification: Uncertain significance. Last evaluated: 2016-08-01. Review status: criteria provided, single submitter. Criteria: CeGaT Center For Human Genetics Tuebingen Variant Classification Criteria Version 2. Collection method: clinical testing. Allele origin: germline. Affected: yes. Observed: 1 variant allele.

Laboratory of Functional Genomics, Research Centre for Medical Genetics
Classification: Likely pathogenic for Bone fragility with contractures, arterial rupture, and deafness. Review status: criteria provided, single submitter. Criteria: ACMG Guidelines, 2015. Collection method: research, in vivo. Allele origin: germline, not applicable. Inheritance: Autosomal recessive inheritance. Affected: yes. Observed: 1 compound heterozygote. Functional consequence: splicing_variant.
Comment: RNA analysis on patient fibroblast confirmed that it causes a 4 bp truncation of exon 3. This truncation induces a frameshift, resulting in the formation of a premature termination codon (p.(Asp112AlafsTer4)) and subsequent degradation of the transcript via the NMD mechanism.

Dr. Peter K. Rogan Lab, Western University
No classification provided (evidence only). Condition: Lymphoma. Review status: no classification provided. Collection method: in vitro. Allele origin: not applicable. Functional consequence: cryptic splice site. Not counted in ClinVar's aggregate classification.

NM_001084.5(PLOD3):c.335A>G (p.Asp112Gly)

Gene: PLOD3 (procollagen-lysine,2-oxoglutarate 5-dioxygenase 3; minus strand). Cytogenetic location: 7q22.1.
Variant type: single nucleotide variant.
Coding change: c.335A>G on transcript NM_001084.5 (MANE Select); coding-DNA position 335, A replaced by G.
Protein change: p.Asp112Gly; replaces aspartic acid 112 with glycine.
Molecular consequence: missense variant.
Genome position (GRCh38, 1-based): chr7:101,216,413, T>C on the plus strand (A>G on the coding strand, the complement: PLOD3 is on the minus strand). VCF-style: chr7-101216413-T-C. GRCh37 (hg19) VCF-style: chr7-100859694-T-C.
Other names: short protein forms D112G.
Identifiers: ClinVar variation 810156 (VCV000810156.54), dbSNP rs200949505, ClinGen allele CA4408235.